The following is an entry in ClinVar:

ClinVar aggregate classification (germline): Uncertain significance. Review status: criteria provided, multiple submitters, no conflicts (2 of 4 stars). 4 submissions from 3 submitters: Uncertain significance (4). Last evaluated 2024-09-30.

Conditions:
Inborn genetic diseases. Identifiers: MedGen C0950123, MeSH D030342.
Hereditary spastic paraplegia 63. Also called: Spastic paraplegia 63, autosomal recessive. Identifiers: Orphanet 401805, MedGen C3810295, MONDO:0014305, OMIM 615686.
Pontocerebellar hypoplasia type 9. Identifiers: Orphanet 369920, MedGen C4014354, MONDO:0014351, OMIM 615809.

Allele frequency attached by ClinVar (database versions not stated): ExAC 0.00001; gnomAD 0.00002; gnomAD exomes 0.00002; TOPMed 0.00002.
gnomAD v4.1: 26 of 1,613,470 alleles (0.0016%); highest among the groups gnomAD compares: Non-Finnish European, 0.0021%; no homozygotes.

Submissions (4):

Labcorp Genetics (formerly Invitae), Labcorp
Classification: Uncertain significance for Pontocerebellar hypoplasia type 9; Hereditary spastic paraplegia 63. Last evaluated: 2024-09-30. Review status: criteria provided, single submitter. Criteria: Invitae Variant Classification Sherloc (09022015). Collection method: clinical testing. Allele origin: germline.
Comment: This sequence change replaces proline, which is neutral and non-polar, with leucine, which is neutral and non-polar, at codon 306 of the AMPD2 protein (p.Pro306Leu). This variant is present in population databases (rs764300020, gnomAD 0.002%). This variant has not been reported in the literature in individuals affected with AMPD2-related conditions. ClinVar contains an entry for this variant (Variation ID: 2080358). An algorithm developed to predict the effect of missense changes on protein structure and function (PolyPhen-2) suggests that this variant is likely to be disruptive. In summary, the available evidence is currently insufficient to determine the role of this variant in disease. Therefore, it has been classified as a Variant of Uncertain Significance.

Genome-Nilou Lab
Classification: Uncertain significance for Hereditary spastic paraplegia 63. Last evaluated: 2023-04-11. Review status: criteria provided, single submitter. Criteria: ACMG Guidelines, 2015. Collection method: clinical testing. Allele origin: germline. Affected: no.

Genome-Nilou Lab
Classification: Uncertain significance for Pontocerebellar hypoplasia type 9. Last evaluated: 2023-04-11. Review status: criteria provided, single submitter. Criteria: ACMG Guidelines, 2015. Collection method: clinical testing. Allele origin: germline. Affected: no.

Ambry Genetics
Classification: Uncertain significance for Inborn genetic diseases. Last evaluated: 2022-09-14. Review status: criteria provided, single submitter. Criteria: Ambry Variant Classification Scheme 2023. Collection method: clinical testing. Allele origin: germline.

NM_001368809.2(AMPD2):c.755C>T (p.Pro252Leu)

Gene: AMPD2 (adenosine monophosphate deaminase 2; plus strand). Cytogenetic location: 1p13.3.
Variant type: single nucleotide variant.
Coding change: c.755C>T on transcript NM_001368809.2 (MANE Select); coding-DNA position 755, C replaced by T.
Protein change: p.Pro252Leu; replaces proline 252 with leucine.
Molecular consequence: missense variant.
Genome position (GRCh38, 1-based): chr1:109,627,211, C>T. VCF-style: chr1-109627211-C-T. GRCh37 (hg19) VCF-style: chr1-110169833-C-T.
Other names: c.917C>T, p.Pro306Leu (NM_001257360.2); c.563C>T, p.Pro188Leu (NM_001257361.2); c.692C>T, p.Pro231Leu (NM_001308170.1); c.755C>T, p.Pro252Leu (NM_004037.9); c.674C>T, p.Pro225Leu (NM_139156.4); short protein forms P188L, P225L, P231L, P306L, P252L.
Identifiers: ClinVar variation 2080358 (VCV002080358.6), dbSNP rs764300020, ClinGen allele CA992908.